The following is an entry in ClinVar:

NM_004004.6(GJB2):c.506G>A (p.Cys169Tyr)

Gene: GJB2 (gap junction protein beta 2; minus strand). Cytogenetic location: 13q12.11.
Variant type: single nucleotide variant.
Coding change: c.506G>A on transcript NM_004004.6 (MANE Select); coding-DNA position 506, G replaced by A.
Protein change: p.Cys169Tyr; replaces cysteine 169 with tyrosine.
Molecular consequence: missense variant.
Genome position (GRCh38, 1-based): chr13:20,189,076, C>T on the plus strand (G>A on the coding strand, the complement: GJB2 is on the minus strand). VCF-style: chr13-20189076-C-T. GRCh37 (hg19) VCF-style: chr13-20763215-C-T.
Other names: short protein forms C169Y.
Identifiers: ClinVar variation 265481 (VCV000265481.13), dbSNP rs774518779, ClinGen allele CA6904251.
Genomic context (GRCh38, chr13:20,189,076, plus strand): 5'-GTCTTCTCCGTGGGCCGGGACACAAAGCAGTCCACAGTGTTGGGACAAGGCCAGGCGTTG[C>T]ACTTCACCAGCCGCTGCATGGAGAAGCCGTCGTACATGACATAGAAGACGTACATGAAGG-3'
Protein context (NP_003995.2, residues 159-179): DGFSMQRLVK[Cys169Tyr]NAWPCPNTVD

ClinVar aggregate classification (germline): Pathogenic. Review status: criteria provided, multiple submitters, no conflicts (2 of 4 stars). 9 submissions from 9 submitters: Pathogenic (7). 2 of the submissions do not count toward it. Last evaluated 2025-08-25.

Conditions:
Autosomal recessive nonsyndromic hearing loss 1A (DFNB1A). Also called: Connexin 26 deafness; Deafness nonsyndromic, Connexin 26 linked; GJB6-Related DFNB 1 Nonsyndromic Hearing Loss and Deafness; Deafness, autosomal recessive 1A; GJB2-Related Autosomal Recessive Nonsyndromic Hearing Loss; Nonsyndromic Hearing Loss and Deafness, DFNB1. Identifiers: Orphanet 90636, MedGen C2673759, MONDO:0009076, OMIM 220290.
Mutilating keratoderma (VOWNKL). Also called: Keratoderma hereditarium mutilans. Identifiers: Orphanet 494, MedGen C0265964, MONDO:0007422, OMIM 124500.
Ichthyosis, hystrix-like, with hearing loss. Also called: Hystrix-like ichthyosis with deafness. Identifiers: Orphanet 477, MedGen C1865234, MONDO:0011245.
X-linked mixed hearing loss with perilymphatic gusher. Also called: PERILYMPHATIC GUSHER-DEAFNESS SYNDROME; SENSORINEURAL DEAFNESS, PROFOUND, WITH OR WITHOUT A CONDUCTIVE COMPONENT, ASSOCIATED WITH A UNIQUE DEVELOPMENTAL ABNORMALITY OF THE EAR; Deafness, X-linked 2; Gusher syndrome; NANCE DEAFNESS. Identifiers: Orphanet 383, MedGen C1844678, MONDO:0010576, OMIM 304400.
Autosomal dominant keratitis-ichthyosis-hearing loss syndrome. Also called: Senter syndrome; HID SYNDROME; KID SYNDROME, AUTOSOMAL DOMINANT. Identifiers: Orphanet 477, MedGen C0265336, MONDO:0007850, OMIM 148210.
Palmoplantar keratoderma-deafness syndrome. Also called: Keratoderma palmoplantar, with deafness; Palmoplantar keratoderma and sensorineural deafness; Hereditary palmoplantar keratoderma with deafness (subtype); Focal palmoplantar keratoderma with sensorineural deafness (subtype); Diffuse palmoplantar keratoderma with deafness (subtype). Identifiers: Orphanet 2202, MedGen C1835672, MONDO:0007852, OMIM 148350.
Knuckle pads, deafness AND leukonychia syndrome. Also called: Bart-Pumphrey syndrome. Identifiers: Orphanet 2698, MedGen C0266004, MONDO:0007866, OMIM 149200.
Autosomal dominant nonsyndromic hearing loss 3A. Identifiers: Orphanet 90635, MedGen C2675750, MONDO:0011103, OMIM 601544.
GJB2-related disorder. Also called: GJB2-related condition; GJB2-related disorders. Identifiers: MedGen CN382183, MONDO:1060236.
Rare genetic deafness. Identifiers: Orphanet 96210, MedGen C5680250.
Nonsyndromic genetic hearing loss. Also called: Nonsyndromic hearing loss and deafness; Non-syndromic genetic deafness; Nonsyndromic genetic deafness. Identifiers: Orphanet 87884, MedGen C5680182, MONDO:0019497.

Allele frequency attached by ClinVar (database versions not stated): gnomAD exomes 0.00001; ExAC 0.00002.

Submissions (9):

Myriad Genetics, Inc.
Classification: Pathogenic for Nonsyndromic genetic hearing loss. Last evaluated: 2025-08-25. Review status: criteria provided, single submitter. Criteria: Myriad Autosomal Dominant, Autosomal Recessive and X-Linked Classification Criteria (2023). Collection method: clinical testing. Allele origin: unknown.
Comment: NM_004004.5(GJB2):c.506G>A(C169Y) is a missense variant classified as pathogenic in the context of nonsyndromic hearing loss, GJB2-related. C169Y has been observed in cases with relevant disease (PMID: 26778469, 34354426, 29016196, 38844983, 25628337, 36056583). Relevant functional assessments of this variant are available in the literature (PMID: 25628337). Internal structural analysis of the variant is supportive of pathogenicity. C169Y has been observed in referenced population frequency databases. In summary, NM_004004.5(GJB2):c.506G>A(C169Y) is a missense variant that has both functional and internal structural support for pathogenicity and has been observed more frequently in cases with the relevant disease than in healthy populations. Please note: this variant was assessed in the context of healthy population screening.

Laboratory for Molecular Medicine, Mass General Brigham Personalized Medicine
Classification: Pathogenic for Rare genetic deafness. Last evaluated: 2022-06-23. Review status: criteria provided, single submitter. Criteria: ACMG Guidelines, 2015. Collection method: clinical testing. Allele origin: germline.
Comment: The p.Cys169Tyr variant in GJB2 has been reported in three homozygous and two heterozygous individuals with hearing loss and segregated with disease in seven affected individuals from three families (Zonta 2015 PMID: 25628337, Birkenhäger 2014 PMID: 24551843, Azaiez 2004 PMID: 15365987, Mahfood 2021 PMID: 34354426). It has also been identified in 0.00176% (2/113464) of European chromosomes by gnomAD and reported in ClinVar (Variation ID 265481). Computational prediction tools and conservation analyses suggest that this variant may impact the protein, though this information is not predictive enough to determine pathogenicity. This variant disrupts one of six conserved cysteine residues that form intramolecular disulfide bonds and are critical for intercellular channel formation (Zonta 2015 PMID: 25628337, Birkenhäger 2014 PMID: 24551843, Dahl 1991 PMID: 1707811). In vitro functional studies provide some evidence that this variant impacts protein function by obliterating the formation of gap junction plaques at points of cell-to-cell contact (Zonta 2015 PMID: 25628337); however, these types of assays may not accurately represent biological function. In summary, this variant meets criteria to be classified as pathogenic for autosomal recessive hearing loss. ACMG/AMP Criteria applied: PP1_Strong; PM1; PM3; PM2_Supporting; PP3; PS3_Supporting.

GeneDx
Classification: Pathogenic. Last evaluated: 2022-06-17. Review status: criteria provided, single submitter. Criteria: GeneDx Variant Classification Process June 2021. Collection method: clinical testing. Allele origin: germline. Affected: yes.
Comment: Published functional studies demonstrate a damaging effect as the p.(C169Y) variant results in disruption of junction channel formation, and disrupts the disulfide bridge that typically forms between the C169 and C64 residues (Zonta et al., 2015); Not observed at significant frequency in large population cohorts (gnomAD); In silico analysis supports that this missense variant has a deleterious effect on protein structure/function; This variant is associated with the following publications: (PMID: 24551843, 25388846, 15365987, 34354426, 22103400, 25628337)

Genetic Diagnostics Department, Viafet Genomics Laboratory
Classification: Pathogenic for Autosomal recessive nonsyndromic hearing loss 1A. Last evaluated: 2021-08-23. Review status: criteria provided, single submitter. Criteria: ACMG Guidelines, 2015. Collection method: clinical testing. Allele origin: germline. Inheritance: Autosomal recessive inheritance. Affected: no. Observed: 2 variant alleles, 2 heterozygotes.
Comment: As part of Carrier Screening testing performed at Viafet Genomics Laboratory, this variant was identified in a heterozygous state in 2 family members who are not affected with this condition. This variant has been identified in a homozygous state in several patients affected with hearing loss (PMIDs: 24551843 and 25628337). In addition, functional studies have revealed that this variant fails to form junctional channels in vitro despite being correctly targeted to the plasma membrane (PMID: 25628337).

Blueprint Genetics
Classification: Pathogenic for GJB2-related disorders. Last evaluated: 2019-11-07. Review status: criteria provided, single submitter. Criteria: ACMG Guidelines, 2015. Collection method: clinical testing. Allele origin: germline. Affected: yes. Observed: 1 variant allele.

Fulgent Genetics
Classification: Pathogenic for Mutilating keratoderma; Autosomal dominant keratitis-ichthyosis-hearing loss syndrome; Palmoplantar keratoderma-deafness syndrome; Knuckle pads, deafness AND leukonychia syndrome; Autosomal recessive nonsyndromic hearing loss 1A; X-linked mixed hearing loss with perilymphatic gusher; Autosomal dominant nonsyndromic hearing loss 3A. Last evaluated: 2018-10-31. Review status: criteria provided, single submitter. Criteria: ACMG Guidelines, 2015. Collection method: clinical testing. Allele origin: unknown.

Women's Health and Genetics/Laboratory Corporation of America, LabCorp
Classification: Pathogenic for Autosomal recessive nonsyndromic hearing loss 1A. Last evaluated: 2017-06-20. Review status: criteria provided, single submitter. Criteria: LabCorp Variant Classification Summary - May 2015. Collection method: clinical testing. Allele origin: germline.
Comment: Variant summary: The GJB2 c.506G>A (p.Cys169Tyr) variant involves the alteration of a conserved nucleotide. "Cys169 is one of the six extracellular cysteine residues which are conserved in all connexin isoforms. These six cysteines form three disulfide bridges, which are likely to play an important role in guiding the correct folding of the connexin protein and the docking of the two hexameric hemichannels in the extracellular region" via Zonta_2015. 4/4 in silico tools predict a damaging outcome. A functional study, Zonta_2015 supports these predictions and showed that the variant "At the cellular level, our results show that the mutant protein fails to form junctional channels in HeLa transfectants despite being correctly targeted to the plasma membrane. At the molecular level, this effect can be accounted for by disruption of the disulfide bridge that Cys169 forms with Cys64 in the wild-type structure (Cx26WT)." This variant was found in 2/121012 control chromosomes at a frequency of 0.0000165, which does not exceed the estimated maximal expected allele frequency of a pathogenic GJB2 variant (0.025). Multiple publications have cited the variant in homozygous affected individuals, in addition a heterozygous affected individual, which a second mutation was not indicated to have been found. In addition, multiple clinical diagnostic laboratories/reputable databases classified this variant as pathogenic. Taken together, this variant is classified as pathogenic.

Natera, Inc.
Classification: Pathogenic for Autosomal recessive deafness type 1A. Last evaluated: 2020-09-16. Review status: no assertion criteria provided. Collection method: clinical testing. Allele origin: germline. Not counted in ClinVar's aggregate classification.

Genomic Medicine Center of Excellence, King Faisal Specialist Hospital and Research Centre
Classification: Uncertain significance for Autosomal recessive nonsyndromic hearing loss 1A. Last evaluated: 2024-03-26. Review status: flagged submission. Criteria: ACMG Guidelines, 2015. Collection method: clinical testing. Allele origin: germline. Not counted in ClinVar's aggregate classification.
ClinVar note: Reason: Outlier claim with insufficient supporting evidence

Literature cited by the submitters: PubMed 25628337 (cited by Myriad Genetics, Inc. and Genetic Diagnostics Department, Viafet Genomics Laboratory); PubMed 26778469 (cited by Myriad Genetics, Inc.); PubMed 29016196 (cited by Myriad Genetics, Inc.); PubMed 34354426 (cited by Myriad Genetics, Inc.); PubMed 36056583 (cited by Myriad Genetics, Inc.); PubMed 38844983 (cited by Myriad Genetics, Inc.); PubMed 24551843 (cited by Genetic Diagnostics Department, Viafet Genomics Laboratory and Women's Health and Genetics/Laboratory Corporation of America, LabCorp).